The following is an entry in ClinVar:

ClinVar aggregate classification (germline): Likely pathogenic. Review status: criteria provided, single submitter (1 of 4 stars). 2 submissions from 1 submitter: Likely pathogenic (1). 1 of the submissions does not count toward it. Last evaluated 2019-04-04.

Conditions:
Retinitis pigmentosa 3. Also called: CHOROIDORETINAL DEGENERATION WITH RETINAL REFLEX IN HETEROZYGOUS WOMEN. Identifiers: Orphanet 791, MedGen C1845667, MONDO:0010227, OMIM 300029.
Retinal dystrophy. Also called: Inherited retinal dystrophy. Identifiers: Orphanet 71862, MedGen C0854723, MeSH D058499, MONDO:0019118, HP:0000556.

Submissions (2):

Blueprint Genetics
Classification: Likely pathogenic for Retinal dystrophy. Last evaluated: 2019-04-04. Review status: criteria provided, single submitter. Criteria: Blueprint Genetics Variant Classification Scheme. Collection method: clinical testing. Allele origin: germline. Affected: yes.

Blueprint Genetics
Classification: Likely pathogenic for Retinitis pigmentosa 3. Review status: no assertion criteria provided. Collection method: clinical testing. Allele origin: germline. Affected: yes. Not counted in ClinVar's aggregate classification.

NM_001034853.2(RPGR):c.2526_2527del (p.Glu843fs)

Gene: RPGR (retinitis pigmentosa GTPase regulator; minus strand). Cytogenetic location: Xp11.4.
Variant type: Deletion.
Coding change: c.2526_2527del on transcript NM_001034853.2 (MANE Select); coding-DNA positions 2526 to 2527, 2 bases deleted (GG; older notation c.2526_2527delGG).
Protein change: p.Glu843fs; shifts the reading frame from glutamic acid 843.
Molecular consequence: frameshift variant. On other transcripts: intron variant (8).
Genome position (GRCh38, 1-based): chrX:38,286,472-38,286,473, CC deleted on the plus strand (GG on the coding strand, the reverse complement: RPGR is on the minus strand); deleting any 2 consecutive bases within chrX:38,286,472-38,286,476 gives the same sequence; the c. name uses the placement nearest the transcript's 3' end. VCF-style (leftmost placement, unchanged base first): chrX-38286471-TCC-T. GRCh37 (hg19) VCF-style: chrX-38145724-TCC-T.
Other names: c.1569+4486_1569+4487del (NM_001367249.1, NM_001367250.1); c.1902+621_1902+622del (NM_001367245.1); c.1386+4486_1386+4487del (NM_001367251.1); c.1719+621_1719+622del (NM_001367246.1); c.1572+4486_1572+4487del (NM_001367247.1); c.1905+621_1905+622del (NM_000328.3); c.1602+4486_1602+4487del (NM_001367248.1); short protein forms E843fs.
Identifiers: ClinVar variation 867130 (VCV000867130.2), dbSNP rs2067175855, ClinGen allele CA916083896.
Genomic context (GRCh38, chrX:38,286,471, plus strand): 5'-TCCCCTTCTTCCTCCCCTTTCCCTTCTCCTTCCTCCTCTTCCCCCTCCCCTTCCTCCTCT[TCC>T]CCCTCCCCTTCCTCCTCTTCCCCCTCACCCTCCTCCTCTTCCTCTTCCCTCTCTCCTTTC-3'